The following is an entry in ClinVar:

NM_001172509.2(SATB2):c.779A>C (p.Gln260Pro)

Gene: SATB2 (SATB homeobox 2; minus strand). Cytogenetic location: 2q33.1.
Variant type: single nucleotide variant.
Coding change: c.779A>C on transcript NM_001172509.2 (MANE Select); coding-DNA position 779, A replaced by C.
Protein change: p.Gln260Pro; replaces glutamine 260 with proline.
Molecular consequence: missense variant.
Genome position (GRCh38, 1-based): chr2:199,349,095, T>G on the plus strand (A>C on the coding strand, the complement: SATB2 is on the minus strand). VCF-style: chr2-199349095-T-G. GRCh37 (hg19) VCF-style: chr2-200213818-T-G.
Other names: c.779A>C, p.Gln260Pro (NM_001172517.1, NM_015265.4); short protein forms Q260P.
Identifiers: ClinVar variation 2785763 (VCV002785763.3), dbSNP rs2468897219, ClinGen allele CA350388155.
Genomic context (GRCh38, chr2:199,349,095, plus strand): 5'-GTACTGTGGTGAATTTGGCTGTGAGGAGACTGTTCGTTGGTTTTCCCCAGGGATGCCAGC[T>G]GGTTCATATTTGGTAAATGCATTGGACGCTGGCCCAGAACACAATAGTCTGAAAGGTTTT-3'
Protein context (NP_001165980.1, residues 250-270): QRPMHLPNMN[Gln260Pro]LASLGKTNEQ

ClinVar aggregate classification (germline): Uncertain significance (1 of 4 stars; one submission).

Conditions:
Chromosome 2q32-q33 deletion syndrome (GLASS). Also called: Glass syndrome; 2q33.1 deletion syndrome. Identifiers: Orphanet 251019, MedGen C2676739, MONDO:0012864, OMIM 612313.

Submission:

Labcorp Genetics (formerly Invitae), Labcorp
Classification: Uncertain significance for Chromosome 2q32-q33 deletion syndrome. Last evaluated: 2023-02-04. Review status: criteria provided, single submitter. Criteria: Invitae Variant Classification Sherloc (09022015). Collection method: clinical testing. Allele origin: germline.
Comment: This sequence change replaces glutamine, which is neutral and polar, with proline, which is neutral and non-polar, at codon 260 of the SATB2 protein (p.Gln260Pro). This variant is not present in population databases (gnomAD no frequency). This variant has not been reported in the literature in individuals affected with SATB2-related conditions. Advanced modeling of protein sequence and biophysical properties (such as structural, functional, and spatial information, amino acid conservation, physicochemical variation, residue mobility, and thermodynamic stability) performed at Invitae indicates that this missense variant is not expected to disrupt SATB2 protein function. In summary, the available evidence is currently insufficient to determine the role of this variant in disease. Therefore, it has been classified as a Variant of Uncertain Significance.